The following is an entry in ClinVar:

NM_001083614.2(EARS2):c.425G>C (p.Cys142Ser)

Gene: EARS2 (glutamyl-tRNA synthetase 2, mitochondrial; minus strand). Cytogenetic location: 16p12.2.
Variant type: single nucleotide variant.
Coding change: c.425G>C on transcript NM_001083614.2 (MANE Select); coding-DNA position 425, G replaced by C.
Protein change: p.Cys142Ser; replaces cysteine 142 with serine.
Molecular consequence: missense variant. On other transcripts: non-coding transcript variant (1).
Genome position (GRCh38, 1-based): chr16:23,544,574, C>G on the plus strand (G>C on the coding strand, the complement: EARS2 is on the minus strand). VCF-style: chr16-23544574-C-G. GRCh37 (hg19) VCF-style: chr16-23555895-C-G.
Other names: c.425G>C, p.Cys142Ser (NM_001308211.1); short protein forms C142S.
Identifiers: ClinVar variation 4852410 (VCV004852410.1).

ClinVar aggregate classification (germline): Uncertain significance (1 of 4 stars; one submission).

Conditions:
Leukoencephalopathy-thalamus and brainstem anomalies-high lactate syndrome. Also called: Combined oxidative phosphorylation deficiency 12; LEUKOENCEPHALOPATHY WITH THALAMUS AND BRAINSTEM INVOLVEMENT AND HIGH LACTATE. Identifiers: Orphanet 314051, MedGen C4706421, MONDO:0013971, OMIM 614924.

Submission:

Department of Genetics, Sultan Qaboos University Hospital
Classification: Uncertain significance for Leukoencephalopathy-thalamus and brainstem anomalies-high lactate syndrome. Last evaluated: 2026-04-01. Review status: criteria provided, single submitter. Criteria: ACMG Guidelines, 2015. Collection method: clinical testing. Allele origin: germline. Affected: yes. Observed: 1 variant allele.
Comment: PM2_Supporting